The following is an entry in ClinVar:

ClinVar aggregate classification (germline): Uncertain significance (1 of 4 stars; one submission).

Conditions:
Pitt-Hopkins-like syndrome 2 (PTHSL2). Identifiers: Orphanet 221150, Orphanet 600663, MedGen C3280479, MONDO:0013690, OMIM 614325.

Allele frequency attached by ClinVar (database versions not stated): gnomAD exomes below 0.00001.
gnomAD v4.1: 1 of 1,613,994 alleles (0.000062%); highest among the groups gnomAD compares: East Asian, 0.0022%; no homozygotes.

Submission:

Labcorp Genetics (formerly Invitae), Labcorp
Classification: Uncertain significance for Pitt-Hopkins-like syndrome 2. Last evaluated: 2023-01-21. Review status: criteria provided, single submitter. Criteria: Invitae Variant Classification Sherloc (09022015). Collection method: clinical testing. Allele origin: germline.
Comment: In summary, the available evidence is currently insufficient to determine the role of this variant in disease. Therefore, it has been classified as a Variant of Uncertain Significance. Advanced modeling of protein sequence and biophysical properties (such as structural, functional, and spatial information, amino acid conservation, physicochemical variation, residue mobility, and thermodynamic stability) performed at Invitae indicates that this missense variant is not expected to disrupt NRXN1 protein function. This variant has not been reported in the literature in individuals affected with NRXN1-related conditions. This variant is not present in population databases (gnomAD no frequency). This sequence change replaces histidine, which is basic and polar, with arginine, which is basic and polar, at codon 566 of the NRXN1 protein (p.His566Arg).

NM_001330078.2(NRXN1):c.1577A>G (p.His526Arg)

Gene: NRXN1 (neurexin 1; minus strand). Cytogenetic location: 2p16.3.
Variant type: single nucleotide variant.
Coding change: c.1577A>G on transcript NM_001330078.2 (MANE Select); coding-DNA position 1577, A replaced by G.
Protein change: p.His526Arg; replaces histidine 526 with arginine.
Molecular consequence: missense variant.
Genome position (GRCh38, 1-based): chr2:50,552,769, T>C on the plus strand (A>G on the coding strand, the complement: NRXN1 is on the minus strand). VCF-style: chr2-50552769-T-C. GRCh37 (hg19) VCF-style: chr2-50779907-T-C.
Other names: c.1577A>G, p.His526Arg (NM_004801.6, NM_001330086.2, NM_001330085.2); c.1493A>G, p.His498Arg (NM_001330087.2, NM_001330096.2); c.1523A>G, p.His508Arg (NM_001330088.2); c.1574A>G, p.His525Arg (NM_001330093.2); c.1565A>G, p.His522Arg (NM_001330094.2); c.1553A>G, p.His518Arg (NM_001330095.2, NM_001330077.2, NM_001330082.2); c.1697A>G, p.His566Arg (NM_001135659.3); c.1538A>G, p.His513Arg (NM_001330083.2, NM_001330084.2); short protein forms H518R, H525R, H522R, H566R, H498R, H526R, H508R, H513R.
Identifiers: ClinVar variation 2786402 (VCV002786402.3), dbSNP rs1489040868, ClinGen allele CA346773412.